The following is an entry in ClinVar:

NM_152594.3(SPRED1):c.866A>T (p.Lys289Ile)

Gene: SPRED1 (sprouty related EVH1 domain containing 1; plus strand). Cytogenetic location: 15q14.
Variant type: single nucleotide variant.
Coding change: c.866A>T on transcript NM_152594.3 (MANE Select); coding-DNA position 866, A replaced by T.
Protein change: p.Lys289Ile; replaces lysine 289 with isoleucine.
Molecular consequence: missense variant.
Genome position (GRCh38, 1-based): chr15:38,351,195, A>T. VCF-style: chr15-38351195-A-T. GRCh37 (hg19) VCF-style: chr15-38643396-A-T.
Other names: short protein forms K289I.
Identifiers: ClinVar variation 3800918 (VCV003800918.1).

ClinVar aggregate classification (germline): Uncertain significance (1 of 4 stars; one submission).

Conditions:
Cardiovascular phenotype. Identifiers: MedGen CN230736.

gnomAD v4.1: 3 of 1,614,150 alleles (0.00019%); highest among the groups gnomAD compares: Non-Finnish European, 0.00025%; no homozygotes.

Submission:

Ambry Genetics
Classification: Uncertain significance for Cardiovascular phenotype. Last evaluated: 2025-02-09. Review status: criteria provided, single submitter. Criteria: Ambry Variant Classification Scheme 2023. Collection method: clinical testing. Allele origin: germline.
Comment: The p.K289I variant (also known as c.866A>T), located in coding exon 7 of the SPRED1 gene, results from an A to T substitution at nucleotide position 866. The lysine at codon 289 is replaced by isoleucine, an amino acid with dissimilar properties. This amino acid position is conserved. In addition, the in silico prediction for this alteration is inconclusive. Based on the available evidence, the clinical significance of this variant remains unclear.